The following is an entry in ClinVar:

NM_003476.5(CSRP3):c.579_582del (p.Lys193fs)

Gene: CSRP3 (cysteine and glycine rich protein 3; minus strand). Cytogenetic location: 11p15.1.
Variant type: Microsatellite.
Coding change: c.579_582del on transcript NM_003476.5 (MANE Select); coding-DNA positions 579 to 582, 4 bases deleted (AGAA; older notation c.579_582delAGAA).
Protein change: p.Lys193fs; shifts the reading frame from lysine 193.
Molecular consequence: frameshift variant.
Genome position (GRCh38, 1-based): chr11:19,182,673-19,182,676, TTCT deleted on the plus strand (AGAA on the coding strand, the reverse complement: CSRP3 is on the minus strand); deleting any 4 consecutive bases within chr11:19,182,673-19,182,682 gives the same sequence; the c. name uses the placement nearest the transcript's 3' end. VCF-style (leftmost placement, unchanged base first): chr11-19182672-ATTCT-A. GRCh37 (hg19) VCF-style: chr11-19204219-ATTCT-A.
Other names: c.579_582delAGAA (NM_003476.5); c.410_413del, p.Lys137fs (NM_001369404.1); short protein forms K193fs, K137fs.
Identifiers: ClinVar variation 163005 (VCV000163005.5), dbSNP rs727502946, ClinGen allele CA175596.
Genomic context (GRCh38, chr11:19,182,672, plus strand): 5'-CAGGATTACTTGGCAAGTGTTTTAGGCTCGCAAAAAATCTGAGAAACGGCGCACCTCTTC[ATTCT>A]TTCTTTTCCACTTGTTGTGTAAGGCCTCCAAACCCAATACCCGTGGGGCCAAAATTTTTG-3'

ClinVar aggregate classification (germline): Uncertain significance. Review status: criteria provided, multiple submitters, no conflicts (2 of 4 stars). 2 submissions from 2 submitters: Uncertain significance (2). Last evaluated 2023-11-05.

Conditions:
Hypertrophic cardiomyopathy. Also called: HYPERTROPHIC MYOCARDIOPATHY. Identifiers: Orphanet 217569, MedGen C0007194, MeSH D002312, MONDO:0005045, HP:0001639.

Submissions (2):

Molecular Genetics, Royal Melbourne Hospital
Classification: Uncertain significance for Hypertrophic cardiomyopathy. Last evaluated: 2023-11-05. Review status: criteria provided, single submitter. Criteria: ACMG Guidelines, 2015. Collection method: clinical testing. Allele origin: germline. Inheritance: Autosomal dominant inheritance.
Comment: This sequence change in CSRP3 is a frameshift variant, p.(Lys193Asnfs*14), in biologically relevant exon 6/6 that is predicted to escape nonsense-mediated decay and elongate the protein by 12 amino acids with an unknown effect on protein function. This variant is absent from the population database gnomAD v2.1 and v3.1. To our knowledge, this variant has not been previously reported in the relevant scientific literature. It has been reported as a variant of uncertain significance (ClinVar). Based on the classification scheme RMH Modified ACMG/AMP Guidelines v1.6.1, this variant is classified as a VARIANT OF UNCERTAIN SIGNIFICANCE. Following criteria are met: PVS1_Moderate, PM2_Supporting.

Laboratory for Molecular Medicine, Mass General Brigham Personalized Medicine
Classification: Uncertain significance. Last evaluated: 2014-12-22. Review status: criteria provided, single submitter. Criteria: LMM Criteria. Collection method: clinical testing. Allele origin: germline. Observed: 1 variant allele.
Comment: The p.Lys193fsExtX13 variant in CSRP3 has not been previously reported in indivi duals with cardiomyopathy and data from large population studies is insufficient to assess its frequency. This variant leads to a frameshift at amino acid 193 a nd then alters the stop codon such that 12 additional amino acids are generated before introducing a new stop codon. It is currently unclear how this alteration would impact the protein. In summary, the clinical significance of the p.Lys193 fsExtX13 variant is uncertain.